The following is an entry in ClinVar:

ClinVar aggregate classification (germline): Uncertain significance (1 of 4 stars; one submission).

Conditions:
Brown-Vialetto-van Laere syndrome 1. Also called: BROWN-VIALETTO-VAN LAERE SYNDROME 1, MILD; BULBAR PALSY, PROGRESSIVE, WITH SENSORINEURAL DEAFNESS; PONTOBULBAR PALSY WITH DEAFNESS. Identifiers: Orphanet 572550, Orphanet 97229, MedGen C0796274, MONDO:0024537, OMIM 211530.

Submission:

Labcorp Genetics (formerly Invitae), Labcorp
Classification: Uncertain significance for Brown-Vialetto-van Laere syndrome 1. Last evaluated: 2021-10-30. Review status: criteria provided, single submitter. Criteria: Invitae Variant Classification Sherloc (09022015). Collection method: clinical testing. Allele origin: germline.
Comment: This variant results in a copy number gain of the genomic region encompassing exon(s) 4-5 of the SLC52A3 gene. This region includes the termination codon of the gene. This copy number gain extends beyond the assayed region for this gene and therefore may encompass additional genes. As the precise location of this event is unknown, it may be in tandem or it may be located elsewhere in the genome. In summary, the available evidence is currently insufficient to determine the role of this variant in disease. Therefore, it has been classified as a Variant of Uncertain Significance. Experimental studies and prediction algorithms are not available or were not evaluated, and the functional significance of this variant is currently unknown. This variant has not been reported in the literature in individuals affected with SLC52A3-related conditions.

NC_000020.10:g.(?_741670)_(742488_?)dup

Gene: SLC52A3 (solute carrier family 52 member 3; minus strand). Cytogenetic location: 20p13.
Variant type: Duplication.
Identifiers: ClinVar variation 2427134 (VCV002427134.4).